The following is an entry in ClinVar:

ClinVar aggregate classification (germline): Uncertain significance. Review status: criteria provided, multiple submitters, no conflicts (2 of 4 stars). 5 submissions from 5 submitters: Uncertain significance (5). Last evaluated 2025-08-03.

Conditions:
Hereditary cancer-predisposing syndrome. Also called: Neoplastic Syndromes, Hereditary; Tumor predisposition; Hereditary neoplastic syndrome; Hereditary Cancer Syndrome. Identifiers: Orphanet 140162, MedGen C0027672, MeSH D009386, MONDO:0015356.
Familial cancer of breast. Also called: BREAST CANCER, FAMILIAL; Hereditary breast cancer; hereditary breast carcinoma. Identifiers: Orphanet 227535, MedGen C0346153, MONDO:0016419, OMIM 114480. Disease mechanism: loss of function.

Allele frequency attached by ClinVar (database versions not stated): gnomAD exomes below 0.00001.
gnomAD v4.1: 1 of 1,614,102 alleles (0.000062%); highest among the groups gnomAD compares: Admixed American, 0.0017%; no homozygotes.

Submissions (5):

Ambry Genetics
Classification: Uncertain significance for Hereditary cancer-predisposing syndrome. Last evaluated: 2025-08-03. Review status: criteria provided, single submitter. Criteria: Ambry Variant Classification Scheme 2023. Collection method: clinical testing. Allele origin: germline.
Comment: The p.W114C variant (also known as c.342G>T), located in coding exon 2 of the CHEK2 gene, results from a G to T substitution at nucleotide position 342. The tryptophan at codon 114 is replaced by cysteine, an amino acid with highly dissimilar properties. This amino acid position is well conserved in available vertebrate species. In addition, this alteration is predicted to be deleterious by in silico analysis. Since supporting evidence is limited at this time, the clinical significance of this alteration remains unclear.

Labcorp Genetics (formerly Invitae), Labcorp
Classification: Uncertain significance for Familial cancer of breast. Last evaluated: 2022-08-16. Review status: criteria provided, single submitter. Criteria: Invitae Variant Classification Sherloc (09022015). Collection method: clinical testing. Allele origin: germline.
Comment: This variant has not been reported in the literature in individuals affected with CHEK2-related conditions. This variant is present in population databases (rs756949505, gnomAD 0.003%). ClinVar contains an entry for this variant (Variation ID: 823764). This sequence change replaces tryptophan, which is neutral and slightly polar, with cysteine, which is neutral and slightly polar, at codon 114 of the CHEK2 protein (p.Trp114Cys). In summary, the available evidence is currently insufficient to determine the role of this variant in disease. Therefore, it has been classified as a Variant of Uncertain Significance. Algorithms developed to predict the effect of missense changes on protein structure and function (SIFT, PolyPhen-2, Align-GVGD) all suggest that this variant is likely to be disruptive.

Sema4
Classification: Uncertain significance for Hereditary cancer-predisposing syndrome. Last evaluated: 2021-11-10. Review status: criteria provided, single submitter. Criteria: Sema4 Curation Guidelines. Collection method: curation. Allele origin: germline.
Comment: The CHEK2 c.342G>T (p.W114C) variant has been reported in heterozygosity in at least one individuals with rhabdoid tumor (PMID: DOI 10.3390/cancers13215339). It was observed in 1/251202 chromosomes across all populations, in the large and broad cohorts of the Genome Aggregation Database (PMID: 32461654). The variant has been reported in ClinVar (Variation ID 823764). Functional studies have not been performed, and in silico predictions of the variant's effect on protein function are inconclusive. The evidence is insufficient to meet ACMG/AMP criteria for classifying the variant as benign or pathogenic. Thus, the clinical significance of this variant is currently uncertain.

MGZ Medical Genetics Center
Classification: Uncertain significance for Familial cancer of breast. Last evaluated: 2021-07-09. Review status: criteria provided, single submitter. Criteria: ACMG Guidelines, 2015. Collection method: clinical testing. Allele origin: germline. Affected: yes. Observed: 1 variant allele.
Comment: ACMG criteria applied: PM2_SUP, PP3

Color Diagnostics, LLC DBA Color Health
Classification: Uncertain significance for Hereditary cancer-predisposing syndrome. Last evaluated: 2020-04-06. Review status: criteria provided, single submitter. Criteria: ACMG Guidelines, 2015. Collection method: clinical testing. Allele origin: germline.
Comment: This missense variant replaces tryptophan with cysteine at codon 114 of the CHEK2 protein. Computational prediction is inconclusive regarding the impact of this variant on protein structure and function (internally defined REVEL score threshold 0.5 < inconclusive < 0.7, PMID: 27666373). Splice site prediction tools suggest that this variant may not impact RNA splicing. To our knowledge, functional studies have not been reported for this variant. This variant has not been reported in individuals affected with hereditary cancer in the literature. This variant has been identified in 1/251202 chromosomes in the general population by the Genome Aggregation Database (gnomAD). The available evidence is insufficient to determine the role of this variant in disease conclusively. Therefore, this variant is classified as a Variant of Uncertain Significance.

NM_007194.4(CHEK2):c.342G>T (p.Trp114Cys)

Gene: CHEK2 (checkpoint kinase 2; minus strand). Cytogenetic location: 22q12.1.
Variant type: single nucleotide variant.
Coding change: c.342G>T on transcript NM_007194.4 (MANE Select); coding-DNA position 342, G replaced by T.
Protein change: p.Trp114Cys; replaces tryptophan 114 with cysteine.
Molecular consequence: missense variant.
Genome position (GRCh38, 1-based): chr22:28,725,345, C>A on the plus strand (G>T on the coding strand, the complement: CHEK2 is on the minus strand). VCF-style: chr22-28725345-C-A. GRCh37 (hg19) VCF-style: chr22-29121333-C-A.
Other names: c.471G>T, p.Trp157Cys (NM_001005735.3); c.-436G>T (NM_001257387.3); c.342G>T, p.Trp114Cys (NM_001349956.3, NM_145862.3); short protein forms W114C, W157C.
Identifiers: ClinVar variation 823764 (VCV000823764.21), dbSNP rs756949505, ClinGen allele CA323033389.